The following is an entry in ClinVar:

ClinVar aggregate classification (germline): Uncertain significance (1 of 4 stars; one submission).

Submission:

GeneDx
Classification: Uncertain significance. Last evaluated: 2024-06-29. Review status: criteria provided, single submitter. Criteria: GeneDx Variant Classification Process June 2021. Collection method: clinical testing. Allele origin: germline.
Comment: Frameshift variant predicted to result in protein truncation or nonsense mediated decay in a gene for which loss-of-function is not a known mechanism of disease; Not observed at significant frequency in large population cohorts (gnomAD); Has not been previously published as pathogenic or benign to our knowledge; Variants in candidate genes are classified as variants of uncertain significance in accordance with ACMG guidelines (PMID: 25741868)

NM_032531.4(KIRREL3):c.464dup (p.Val157fs)

Gene: KIRREL3 (kirre like nephrin family adhesion molecule 3; minus strand). Cytogenetic location: 11q24.2.
Variant type: Duplication.
Coding change: c.464dup on transcript NM_032531.4 (MANE Select); coding-DNA position 464, one base duplicated (G; older notation c.464dupG).
Protein change: p.Val157fs; shifts the reading frame from valine 157.
Molecular consequence: frameshift variant.
Genome position (GRCh38, 1-based): chr11:126,473,436, C duplicated on the plus strand (G on the coding strand, the reverse complement: KIRREL3 is on the minus strand); the first of 6 consecutive C bases (chr11:126,473,436-126,473,441); duplicating any one gives the same sequence. VCF-style (leftmost placement, unchanged base first): chr11-126473435-G-GC. GRCh37 (hg19) VCF-style: chr11-126343330-G-GC.
Other names: c.464dup, p.Val157fs (NM_001161707.2, NM_001301097.2, NM_001441251.1 and 8 more transcripts); c.572dup, p.Val193fs (NM_001441252.1); c.422dup, p.Val143fs (NM_001441255.1, NM_001441259.1, NM_001441260.1); c.314dup, p.Val107fs (NM_001441262.1); short protein forms V107fs, V143fs, V157fs, V193fs.
Identifiers: ClinVar variation 4891406 (VCV004891406.1).